The following is an entry in ClinVar:

ClinVar aggregate classification (germline): Uncertain significance (1 of 4 stars; one submission).

Allele frequency attached by ClinVar (database versions not stated): TOPMed 0.00002; gnomAD exomes 0.00003.
gnomAD v4.1: 29 of 1,065,134 alleles (0.0027%); highest among the groups gnomAD compares: Non-Finnish European, 0.0033%; no homozygotes.

Submission:

Labcorp Genetics (formerly Invitae), Labcorp
Classification: Uncertain significance. Last evaluated: 2024-08-21. Review status: criteria provided, single submitter. Criteria: Invitae Variant Classification Sherloc (09022015). Collection method: clinical testing. Allele origin: germline.
Comment: This sequence change replaces glutamic acid, which is acidic and polar, with glycine, which is neutral and non-polar, at codon 51 of the HTRA1 protein (p.Glu51Gly). This variant is not present in population databases (gnomAD no frequency). This missense change has been observed in individual(s) with HTRA1-related conditions (PMID: 26063658). ClinVar contains an entry for this variant (Variation ID: 1490427). An algorithm developed to predict the effect of missense changes on protein structure and function outputs the following: PolyPhen-2: "Benign". The glycine amino acid residue is found in multiple mammalian species, which suggests that this missense change does not adversely affect protein function. In summary, the available evidence is currently insufficient to determine the role of this variant in disease. Therefore, it has been classified as a Variant of Uncertain Significance.

Literature cited by the submitters: PubMed 26063658.

NM_002775.5(HTRA1):c.152A>G (p.Glu51Gly)

Gene: HTRA1 (HtrA serine peptidase 1; plus strand). Cytogenetic location: 10q26.13.
Variant type: single nucleotide variant.
Coding change: c.152A>G on transcript NM_002775.5 (MANE Select); coding-DNA position 152, A replaced by G.
Protein change: p.Glu51Gly; replaces glutamic acid 51 with glycine.
Molecular consequence: missense variant.
Genome position (GRCh38, 1-based): chr10:122,461,804, A>G. VCF-style: chr10-122461804-A-G. GRCh37 (hg19) VCF-style: chr10-124221320-A-G.
Other names: short protein forms E51G.
Identifiers: ClinVar variation 1490427 (VCV001490427.6), dbSNP rs2097481474, ClinGen allele CA378605630.